The following is an entry in ClinVar:

ClinVar aggregate classification (germline): Uncertain significance (1 of 4 stars; one submission).

Allele frequency attached by ClinVar (database versions not stated): gnomAD exomes below 0.00001; gnomAD 0.00001; TOPMed 0.00001.
gnomAD v4.1: 2 of 1,614,068 alleles (0.00012%); highest among the groups gnomAD compares: Non-Finnish European, 0.00017%; no homozygotes.

Submission:

Labcorp Genetics (formerly Invitae), Labcorp
Classification: Uncertain significance. Last evaluated: 2022-07-16. Review status: criteria provided, single submitter. Criteria: Invitae Variant Classification Sherloc (09022015). Collection method: clinical testing. Allele origin: germline.
Comment: In summary, the available evidence is currently insufficient to determine the role of this variant in disease. Therefore, it has been classified as a Variant of Uncertain Significance. Algorithms developed to predict the effect of sequence changes on RNA splicing suggest that this variant may create or strengthen a splice site. This variant has not been reported in the literature in individuals affected with AFG3L2-related conditions. This variant is present in population databases (no rsID available, gnomAD 0.0009%). This sequence change affects codon 183 of the AFG3L2 mRNA. It is a 'silent' change, meaning that it does not change the encoded amino acid sequence of the AFG3L2 protein.

NM_006796.3(AFG3L2):c.549A>G (p.Gly183=)

Gene: AFG3L2 (AFG3 like matrix AAA peptidase subunit 2; minus strand). Cytogenetic location: 18p11.21.
Variant type: single nucleotide variant.
Coding change: c.549A>G on transcript NM_006796.3 (MANE Select); coding-DNA position 549, A replaced by G.
Protein change: p.Gly183=; no amino-acid change (glycine 183 retained).
Molecular consequence: synonymous variant.
Genome position (GRCh38, 1-based): chr18:12,366,968, T>C on the plus strand (A>G on the coding strand, the complement: AFG3L2 is on the minus strand). VCF-style: chr18-12366968-T-C. GRCh37 (hg19) VCF-style: chr18-12366967-T-C.
Identifiers: ClinVar variation 1901368 (VCV001901368.5), dbSNP rs1326739182, ClinGen allele CA502968830.
Genomic context (GRCh38, chr18:12,366,968, plus strand): 5'-AATCTGATGAATTTCACCTTTGAACCACAACAGCCACCAATCCCATAAAATACTTACTAC[T>C]CCTTTTGAAAGATAGTTATTGACAAAGTCCTTCCAAGTGATTTCTCTCCCGGATCTCTTG-3'
Protein context (NP_006787.2, residues 173-193): KDFVNNYLSK[Gly183=]VVDRLEVVNK